The following is an entry in ClinVar:

NM_004104.5(FASN):c.625G>C (p.Glu209Gln)

Gene: FASN (fatty acid synthase; minus strand). Cytogenetic location: 17q25.3.
Variant type: single nucleotide variant.
Coding change: c.625G>C on transcript NM_004104.5 (MANE Select); coding-DNA position 625, G replaced by C.
Protein change: p.Glu209Gln; replaces glutamic acid 209 with glutamine.
Molecular consequence: missense variant.
Genome position (GRCh38, 1-based): chr17:82,093,249, C>G on the plus strand (G>C on the coding strand, the complement: FASN is on the minus strand). VCF-style: chr17-82093249-C-G. GRCh37 (hg19) VCF-style: chr17-80051125-C-G.
Other names: short protein forms E209Q.
Identifiers: ClinVar variation 569002 (VCV000569002.8), dbSNP rs1231782441, ClinGen allele CA401563512.

ClinVar aggregate classification (germline): Uncertain significance (1 of 4 stars; one submission).

Conditions:
Epileptic encephalopathy. Identifiers: MedGen C0543888, HP:0200134.

gnomAD v4.1: 1 of 1,590,606 alleles (0.000063%); highest among the groups gnomAD compares: Non-Finnish European, 0.000086%; no homozygotes.

Submission:

Labcorp Genetics (formerly Invitae), Labcorp
Classification: Uncertain significance for Epileptic encephalopathy. Last evaluated: 2018-05-01. Review status: criteria provided, single submitter. Criteria: Invitae Variant Classification Sherloc (09022015). Collection method: clinical testing. Allele origin: germline.
Comment: In summary, the available evidence is currently insufficient to determine the role of this variant in disease. Therefore, it has been classified as a Variant of Uncertain Significance. Algorithms developed to predict the effect of missense changes on protein structure and function (SIFT, PolyPhen-2, Align-GVGD) all suggest that this variant is likely to be tolerated, but these predictions have not been confirmed by published functional studies and their clinical significance is uncertain. This variant has not been reported in the literature in individuals with FASN-related disease. This variant is not present in population databases (ExAC no frequency). This sequence change replaces glutamic acid with glutamine at codon 209 of the FASN protein (p.Glu209Gln). The glutamic acid residue is moderately conserved and there is a small physicochemical difference between glutamic acid and glutamine.